The following is an entry in ClinVar:

NM_020366.4(RPGRIP1):c.1642G>A (p.Asp548Asn)

Gene: RPGRIP1 (RPGR interacting protein 1; plus strand). Cytogenetic location: 14q11.2.
Variant type: single nucleotide variant.
Coding change: c.1642G>A on transcript NM_020366.4 (MANE Select); coding-DNA position 1642, G replaced by A.
Protein change: p.Asp548Asn; replaces aspartic acid 548 with asparagine.
Molecular consequence: missense variant.
Genome position (GRCh38, 1-based): chr14:21,321,884, G>A. VCF-style: chr14-21321884-G-A. GRCh37 (hg19) VCF-style: chr14-21790043-G-A.
Other names: c.568G>A, p.Asp190Asn (NM_001377523.1, NM_001377948.1, NM_001377949.1 and 1 more transcripts); c.70G>A, p.Asp24Asn (NM_001377951.1); short protein forms D190N, D24N, D548N.
Identifiers: ClinVar variation 1024650 (VCV001024650.6), dbSNP rs1223339694, ClinGen allele CA388865691.
Genomic context (GRCh38, chr14:21,321,884, plus strand): 5'-TAGAAAAGTTCAGACATTATTTTGTTTCAGGAGGAACTGGAGGCAATGATGACAAAAGCT[G>A]ACAATGATAATAGAGATCACAAAGAAAAGCTGGAGAGGTTGACTCGACTACTAGACCTCA-3'
Protein context (NP_065099.3, residues 538-558): EELEAMMTKA[Asp548Asn]NDNRDHKEKL

ClinVar aggregate classification (germline): Uncertain significance (1 of 4 stars; one submission).

Conditions:
Cone-rod dystrophy 13 (CORD13). Identifiers: Orphanet 1872, MedGen C2750720, MONDO:0011987, OMIM 608194.
Leber congenital amaurosis 6 (LCA6). Identifiers: Orphanet 65, MedGen C1854260, MONDO:0013446, OMIM 613826.

Allele frequency attached by ClinVar (database versions not stated): gnomAD exomes below 0.00001 and 0.00002; TOPMed 0.00001; gnomAD 0.00002.
gnomAD v4.1: 35 of 1,613,146 alleles (0.0022%); highest among the groups gnomAD compares: Non-Finnish European, 0.0029%; no homozygotes.

Submission:

Labcorp Genetics (formerly Invitae), Labcorp
Classification: Uncertain significance for Leber congenital amaurosis 6; Cone-rod dystrophy 13. Last evaluated: 2025-03-17. Review status: criteria provided, single submitter. Criteria: Invitae Variant Classification Sherloc (09022015). Collection method: clinical testing. Allele origin: germline.
Comment: This sequence change replaces aspartic acid, which is acidic and polar, with asparagine, which is neutral and polar, at codon 548 of the RPGRIP1 protein (p.Asp548Asn). The frequency data for this variant in the population databases is considered unreliable, as metrics indicate poor data quality at this position in the gnomAD database. This variant has not been reported in the literature in individuals affected with RPGRIP1-related conditions. ClinVar contains an entry for this variant (Variation ID: 1024650). Invitae Evidence Modeling of protein sequence and biophysical properties (such as structural, functional, and spatial information, amino acid conservation, physicochemical variation, residue mobility, and thermodynamic stability) indicates that this missense variant is not expected to disrupt RPGRIP1 protein function with a negative predictive value of 80%. In summary, the available evidence is currently insufficient to determine the role of this variant in disease. Therefore, it has been classified as a Variant of Uncertain Significance.